The following is an entry in ClinVar:

ClinVar aggregate classification (germline): Likely benign. Review status: criteria provided, multiple submitters, no conflicts (2 of 4 stars). 3 submissions from 3 submitters: Likely benign (2). 1 of the submissions does not count toward it. Last evaluated 2026-08-01.

Conditions:
TMX2-related disorder. Also called: TMX2-related condition.

Allele frequency attached by ClinVar (database versions not stated): TOPMed 0.00125; gnomAD 0.00147; ESP Exome Variant Server 0.00154; gnomAD exomes 0.00160; ExAC 0.00190; 1000 Genomes Project 30x 0.00047; 1000 Genomes Project 0.00060.
gnomAD v4.1: 2,548 of 1,604,590 alleles (0.16%); highest among the groups gnomAD compares: Middle Eastern, 0.85%; 4 homozygotes.

Submissions (3):

CeGaT Center for Human Genetics Tuebingen
Classification: Likely benign. Last evaluated: 2026-08-01. Review status: criteria provided, single submitter. Criteria: CeGaT Center For Human Genetics Tuebingen Variant Classification Criteria Version 2. Collection method: clinical testing. Allele origin: germline. Affected: yes. Observed: 5 variant alleles.
Comment: TMX2: BP4, BP7, BS2

Blueprint Genetics
Classification: Likely benign. Last evaluated: 2024-11-25. Review status: criteria provided, single submitter. Criteria: ACMG Guidelines, 2015. Collection method: clinical testing. Allele origin: germline.

PreventionGenetics, part of Exact Sciences
Classification: Likely benign for TMX2-related condition. Last evaluated: 2021-10-19. Review status: no assertion criteria provided. Collection method: clinical testing. Allele origin: germline. Not counted in ClinVar's aggregate classification.
Comment: This variant is classified as likely benign based on ACMG/AMP sequence variant interpretation guidelines (Richards et al. 2015 PMID: 25741868, with internal and published modifications).

NM_015959.4(TMX2):c.879G>A (p.Lys293=)

Genes: TMX2 (thioredoxin related transmembrane protein 2; plus strand), TMX2-CTNND1 (TMX2-CTNND1 readthrough (NMD candidate); plus strand). Cytogenetic location: 11q12.1.
Variant type: single nucleotide variant.
Coding change: c.879G>A on transcript NM_015959.4 (MANE Select); coding-DNA position 879, G replaced by A.
Protein change: p.Lys293=; no amino-acid change (lysine 293 retained).
Molecular consequence: synonymous variant. On other transcripts: 3 prime UTR variant (1), non-coding transcript variant (4).
Genome position (GRCh38, 1-based): chr11:57,740,233, G>A. VCF-style: chr11-57740233-G-A. GRCh37 (hg19) VCF-style: chr11-57507705-G-A.
Other names: c.765G>A, p.Lys255= (NM_001144012.3); c.900G>A, p.Lys300= (NM_001347890.2); c.795G>A, p.Lys265= (NM_001347891.2); c.672G>A, p.Lys224= (NM_001347892.2); c.618G>A, p.Lys206= (NM_001347893.2); c.597G>A, p.Lys199= (NM_001347894.2, NM_001347895.2, NM_001347896.2); c.*172G>A (NM_001347898.2); c.900G>A (NM_001347890.1).
Identifiers: ClinVar variation 2641796 (VCV002641796.26), dbSNP rs144686377, ClinGen allele CA6009758.
Genomic context (GRCh38, chr11:57,740,233, plus strand): 5'-TATCCCTGAGGAGCAGCCTGTGGCTTCAACCCCCACCACAGTGTCAGATGGGGAAAACAA[G>A]AAGGATAAATAAGATCCTCACTTTGGCAGTGCTTCCTCTCCTGTCAATTCCAGGCTCTTT-3'
Protein context (NP_057043.1, residues 283-296): TPTTVSDGEN[Lys293=]KDK